The following is an entry in ClinVar:

NM_001374828.1(ARID1B):c.1631G>C (p.Gly544Ala)

Gene: ARID1B (AT-rich interaction domain 1B; plus strand). Cytogenetic location: 6q25.3.
Variant type: single nucleotide variant.
Coding change: c.1631G>C on transcript NM_001374828.1 (MANE Select); coding-DNA position 1631, G replaced by C.
Protein change: p.Gly544Ala; replaces glycine 544 with alanine.
Molecular consequence: missense variant.
Genome position (GRCh38, 1-based): chr6:156,779,311, G>C. VCF-style: chr6-156779311-G-C. GRCh37 (hg19) VCF-style: chr6-157100445-G-C.
Other names: c.1382G>C, p.Gly461Ala (NM_001346813.1, NM_020732.3); c.1631G>C, p.Gly544Ala (NM_001371656.1, NM_001374820.1, NM_017519.3); c.1208G>C, p.Gly403Ala (NM_175863.2); short protein forms G544A, G403A, G461A.
Identifiers: ClinVar variation 2389084 (VCV002389084.4), dbSNP rs1583027066, ClinGen allele CA366385186.
Genomic context (GRCh38, chr6:156,779,311, plus strand): 5'-GCAGCCCCAGCGCGCCGCCGCCGCCGCCGTCGCAGCCCCAGTCCCAGGCGGCGGCGGCGG[G>C]GGCGGCGGCGGGCGGCCAGCAGGCGGCCGCGGGCATGGGCTTGGGCAAGGACATGGGCGC-3'
Protein context (NP_001361757.1, residues 534-554): SQPQSQAAAA[Gly544Ala]AAAGGQQAAA

ClinVar aggregate classification (germline): Uncertain significance. Review status: criteria provided, single submitter (1 of 4 stars). 2 submissions from 2 submitters: Uncertain significance (1). 1 of the submissions does not count toward it. Last evaluated 2021-08-09.

Conditions:
Inborn genetic diseases. Identifiers: MedGen C0950123, MeSH D030342.
ARID1B-Related Disorder. Identifiers: MedGen CN381337.

Submissions (2):

Ambry Genetics
Classification: Uncertain significance for Inborn genetic diseases. Last evaluated: 2021-08-09. Review status: criteria provided, single submitter. Criteria: Ambry Variant Classification Scheme 2023. Collection method: clinical testing. Allele origin: germline.

PreventionGenetics, part of Exact Sciences
Classification: Likely benign for ARID1B-related condition. Last evaluated: 2021-02-05. Review status: no assertion criteria provided. Collection method: clinical testing. Allele origin: germline. Not counted in ClinVar's aggregate classification.
Comment: This variant is classified as likely benign based on ACMG/AMP sequence variant interpretation guidelines (Richards et al. 2015 PMID: 25741868, with internal and published modifications).